The following is an entry in ClinVar:

ClinVar aggregate classification (germline): Pathogenic (1 of 4 stars; one submission).

Conditions:
Ataxia-telangiectasia syndrome (AT). Also called: ATAXIA-TELANGIECTASIA, COMPLEMENTATION GROUP A; ATAXIA-TELANGIECTASIA, FRESNO VARIANT; Ataxia-telangiectasia; Ataxia-telangiectasia, complementation group E; LOUIS-BAR SYNDROME; Cerebello-oculocutaneous telangiectasia. Identifiers: Orphanet 100, MedGen C0004135, MONDO:0008840, OMIM 208900.

Submission:

Labcorp Genetics (formerly Invitae), Labcorp
Classification: Pathogenic for Ataxia-telangiectasia syndrome. Last evaluated: 2022-10-13. Review status: criteria provided, single submitter. Criteria: Invitae Variant Classification Sherloc (09022015). Collection method: clinical testing. Allele origin: germline.
Comment: This sequence change creates a premature translational stop signal (p.Ile2055Asnfs*29) in the ATM gene. It is expected to result in an absent or disrupted protein product. Loss-of-function variants in ATM are known to be pathogenic (PMID: 23807571, 25614872). This variant is not present in population databases (gnomAD no frequency). This variant has not been reported in the literature in individuals affected with ATM-related conditions. For these reasons, this variant has been classified as Pathogenic.

Literature cited by the submitters: PubMed 23807571; PubMed 25614872.

NM_000051.4(ATM):c.6162_6173delinsG (p.Ile2055fs)

Genes: ATM (ATM serine/threonine kinase; plus strand), C11orf65 (chromosome 11 open reading frame 65; minus strand). Cytogenetic location: 11q22.3.
Variant type: Indel.
Coding change: c.6162_6173delinsG on transcript NM_000051.4 (MANE Select); coding-DNA positions 6162 to 6173, AATCCCCTCATC replaced by G.
Protein change: p.Ile2055fs; shifts the reading frame from isoleucine 2055.
Molecular consequence: frameshift variant. On other transcripts: intron variant (2).
Genome position (GRCh38, 1-based): chr11:108,316,077-108,316,088, AATCCCCTCATC replaced by G. VCF-style: chr11-108316077-AATCCCCTCATC-G. GRCh37 (hg19) VCF-style: chr11-108186804-AATCCCCTCATC-G.
Other names: c.6162_6173delinsG, p.Ile2055fs (NM_001351834.2); c.641-7017_641-7006delinsC (NM_001330368.2); c.*39-7017_*39-7006delinsC (NM_001351110.2); short protein forms I2055fs.
Identifiers: ClinVar variation 2107691 (VCV002107691.4), dbSNP rs2547096053, ClinGen allele CA2580083106.